The following is an entry in ClinVar:

ClinVar aggregate classification (germline): Likely benign (1 of 4 stars; one submission).

Submissions (3):

CeGaT Center for Human Genetics Tuebingen
Classification: Likely benign. Last evaluated: 2026-04-01. Review status: criteria provided, single submitter. Criteria: CeGaT Center For Human Genetics Tuebingen Variant Classification Criteria Version 2. Collection method: clinical testing. Allele origin: germline. Affected: yes. Observed: 2 variant alleles.
Comment: TTI1: BP4, BP7, BS1

Dr. Peter K. Rogan Lab, Western University
No classification provided (evidence only). Condition: Thyroid cancer, nonmedullary, 1. Review status: no classification provided. Collection method: in vitro. Allele origin: not applicable. Functional consequence: retained intron. Not counted in ClinVar's aggregate classification.

Dr. Peter K. Rogan Lab, Western University
No classification provided (evidence only). Condition: Uterine corpus endometrial carcinoma. Review status: no classification provided. Collection method: in vitro. Allele origin: not applicable. Functional consequence: retained intron. Not counted in ClinVar's aggregate classification.

NM_001303457.2(TTI1):c.852C>T (p.Gly284=)

Gene: TTI1 (TELO2 interacting protein 1; minus strand). Cytogenetic location: 20q11.23.
Variant type: single nucleotide variant.
Coding change: c.852C>T on transcript NM_001303457.2 (MANE Select); coding-DNA position 852, C replaced by T.
Protein change: p.Gly284=; no amino-acid change (glycine 284 retained).
Molecular consequence: synonymous variant.
Genome position (GRCh38, 1-based): chr20:38,012,965, G>A on the plus strand (C>T on the coding strand, the complement: TTI1 is on the minus strand). VCF-style: chr20-38012965-G-A. GRCh37 (hg19) VCF-style: chr20-36641367-G-A.
Other names: NC_000020.10:g.36641367G>A; c.852C>T, p.Gly284= (NM_014657.3).
Identifiers: ClinVar variation 4450200 (VCV004450200.6).
Genomic context (GRCh38, chr20:38,012,965, plus strand): 5'-CCAGTGTGGGTGAACAGAAACACACTCAATTATCTTTTTAATAAGGATAGTCAACTTGTC[G>A]CCAGTCTTTTTTACCCAATCTGCTTCCCTGTAAACCATCAGCTCTGCTACTCTGTGCTCA-3'
Protein context (NP_001290386.1, residues 274-294): YREADWVKKT[Gly284=]DKLTILIKKI